The following is an entry in ClinVar:

ClinVar aggregate classification (germline): Pathogenic (1 of 4 stars; one submission).

Conditions:
Early-infantile DEE. Also called: Early infantile epileptic encephalopathy; Early infantile epileptic encephalopathy with suppression bursts; Ohtahara syndrome. Identifiers: Orphanet 1934, MedGen C0393706, MONDO:0800491.

Submission:

Labcorp Genetics (formerly Invitae), Labcorp
Classification: Pathogenic for Early-infantile DEE. Last evaluated: 2022-07-06. Review status: criteria provided, single submitter. Criteria: Invitae Variant Classification Sherloc (09022015). Collection method: clinical testing. Allele origin: germline.
Comment: For these reasons, this variant has been classified as Pathogenic. This premature translational stop signal has been observed in individual(s) with Dravet syndrome (PMID: 30185235). In at least one individual the variant was observed to be de novo. This variant is not present in population databases (gnomAD no frequency). This sequence change creates a premature translational stop signal (p.Glu443*) in the SCN1A gene. It is expected to result in an absent or disrupted protein product. Loss-of-function variants in SCN1A are known to be pathogenic (PMID: 17347258, 18930999).

Literature cited by the submitters: PubMed 30185235; PubMed 17347258; PubMed 18930999.

NM_001165963.4(SCN1A):c.1327G>T (p.Glu443Ter)

Gene: SCN1A (sodium voltage-gated channel alpha subunit 1; minus strand). Cytogenetic location: 2q24.3.
Variant type: single nucleotide variant.
Coding change: c.1327G>T on transcript NM_001165963.4 (MANE Select); coding-DNA position 1327, G replaced by T.
Protein change: p.Glu443Ter; replaces glutamic acid 443 with a stop codon.
Molecular consequence: nonsense. On other transcripts: 5 prime UTR variant (1), non-coding transcript variant (1).
Genome position (GRCh38, 1-based): chr2:166,046,820, C>A on the plus strand (G>T on the coding strand, the complement: SCN1A is on the minus strand). VCF-style: chr2-166046820-C-A. GRCh37 (hg19) VCF-style: chr2-166903330-C-A.
Other names: c.1327G>T, p.Glu443Ter (NM_001165964.3, NM_001202435.3, NM_001353948.2 and 10 more transcripts); c.-1099G>T (NM_001353961.2); short protein forms E443*.
Identifiers: ClinVar variation 2151945 (VCV002151945.4), dbSNP rs1300925640, ClinGen allele CA349070492.